The following is an entry in ClinVar:

ClinVar aggregate classification (germline): Benign/Likely benign. Review status: criteria provided, multiple submitters, no conflicts (2 of 4 stars). 5 submissions from 5 submitters: Benign (2); Likely benign (1). 2 of the submissions do not count toward it. Last evaluated 2026-01-26.

Conditions:
Brain small vessel disease 2A, autosomal dominant. Also called: Porencephaly 2. Identifiers: Orphanet 2940, Orphanet 99810, MedGen C3280970, MONDO:0013773, OMIM 614483.

Allele frequency attached by ClinVar (database versions not stated): 1000 Genomes Project 30x 0.00062; 1000 Genomes Project 0.00080; TOPMed 0.00226; ESP Exome Variant Server 0.00275; gnomAD 0.00457 and 0.00491; gnomAD exomes 0.00470 and 0.00504; ExAC 0.00486.
gnomAD v4.1: 7,525 of 1,613,708 alleles (0.47%); highest among the groups gnomAD compares: Non-Finnish European, 0.45%; 47 homozygotes.

Submissions (5):

Labcorp Genetics (formerly Invitae), Labcorp
Classification: Benign. Last evaluated: 2026-01-26. Review status: criteria provided, single submitter. Criteria: Invitae Variant Classification Sherloc (09022015). Collection method: clinical testing. Allele origin: germline.

GeneDx
Classification: Likely benign. Last evaluated: 2018-10-19. Review status: criteria provided, single submitter. Criteria: GeneDx Variant Classification Process June 2021. Collection method: clinical testing. Allele origin: germline. Affected: yes.

Illumina Laboratory Services, Illumina
Classification: Benign for Brain small vessel disease 2A, autosomal dominant. Last evaluated: 2018-01-12. Review status: criteria provided, single submitter. Criteria: ICSL Variant Classification Criteria 13 December 2019. Collection method: clinical testing. Allele origin: germline.
Comment: This variant was observed in the ICSL laboratory as part of a predisposition screen in an ostensibly healthy population. It had not been previously curated by ICSL or reported in the Human Gene Mutation Database (HGMD: prior to June 1st, 2018), and was therefore a candidate for classification through an automated scoring system. Utilizing variant allele frequency, disease prevalence and penetrance estimates, and inheritance mode, an automated score was calculated to assess if this variant is too frequent to cause the disease. Based on the score and internal cut-off values, a variant classified as benign is not then subjected to further curation. The score for this variant resulted in a classification of benign for this disease.

Clinical Genetics DNA and cytogenetics Diagnostics Lab, Erasmus MC, Erasmus Medical Center
Classification: Benign. Review status: no assertion criteria provided. Collection method: clinical testing. Allele origin: germline. Affected: yes. Study: VKGL Data-share Consensus. Not counted in ClinVar's aggregate classification.

Laboratory of Diagnostic Genome Analysis, Leiden University Medical Center (LUMC)
Classification: Likely benign. Review status: no assertion criteria provided. Collection method: clinical testing. Allele origin: germline. Affected: yes. Study: VKGL Data-share Consensus. Not counted in ClinVar's aggregate classification.

NM_001846.4(COL4A2):c.3634+13G>A

Gene: COL4A2 (collagen type IV alpha 2 chain; plus strand). Cytogenetic location: 13q34.
Variant type: single nucleotide variant.
Coding change: c.3634+13G>A on transcript NM_001846.4 (MANE Select); 13 bases into the intron after coding-DNA position 3634, G replaced by A.
Molecular consequence: intron variant.
Genome position (GRCh38, 1-based): chr13:110,493,295, G>A. VCF-style: chr13-110493295-G-A. GRCh37 (hg19) VCF-style: chr13-111145642-G-A.
Identifiers: ClinVar variation 311166 (VCV000311166.17), dbSNP rs188658233, ClinGen allele CA7050269.